The following is an entry in ClinVar:

NM_001127222.2(CACNA1A):c.322A>G (p.Ile108Val)

Gene: CACNA1A (calcium voltage-gated channel subunit alpha1 A; minus strand). Cytogenetic location: 19p13.13.
Variant type: single nucleotide variant.
Coding change: c.322A>G on transcript NM_001127222.2 (MANE Select); coding-DNA position 322, A replaced by G.
Protein change: p.Ile108Val; replaces isoleucine 108 with valine.
Molecular consequence: missense variant.
Genome position (GRCh38, 1-based): chr19:13,455,184, T>C on the plus strand (A>G on the coding strand, the complement: CACNA1A is on the minus strand). VCF-style: chr19-13455184-T-C. GRCh37 (hg19) VCF-style: chr19-13565998-T-C.
Other names: c.322A>G, p.Ile108Val (NM_000068.4, NM_001127221.2, NM_001174080.2 and 1 more transcripts); short protein forms I108V.
Identifiers: ClinVar variation 640253 (VCV000640253.15), dbSNP rs1599294284, ClinGen allele CA404967909.
Genomic context (GRCh38, chr19:13,455,184, plus strand): 5'-GGGTCTTGTCATCATCAGGCAGATGCTGCTCCAGTGCGAGGACGATGCAATTCGCTATGA[T>C]GGTGGCTAAAATCATATATTCAAAGGGAGTATTGGGGAATTAAGGAAAAATCTTGTTCAA-3'
Protein context (NP_001120694.1, residues 98-118): PPFEYMILAT[Ile108Val]IANCIVLALE

ClinVar aggregate classification (germline): Conflicting classifications of pathogenicity. Review status: criteria provided, conflicting classifications (1 of 4 stars). 4 submissions from 4 submitters: Pathogenic (1); Likely pathogenic (2); Uncertain significance (1). Last evaluated 2025-09-08.

Conditions:
Migraine, familial hemiplegic, 1. Also called: MIGRAINE, FAMILIAL HEMIPLEGIC 1, WITH PROGRESSIVE CEREBELLAR ATAXIA. Identifiers: Orphanet 569, MedGen C1832884, MONDO:0020756, OMIM 141500, MONDO:0007714.
Developmental and epileptic encephalopathy, 42 (DEE42A). Also called: Epileptic encephalopathy, early infantile, 42; DEVELOPMENTAL AND EPILEPTIC ENCEPHALOPATHY 42A; EPILEPTIC ENCEPHALOPATHY, EARLY INFANTILE, 42A. Identifiers: MedGen C4310716, MONDO:0014917, OMIM 617106.
Episodic ataxia type 2 (EA2). Also called: CEREBELLAR ATAXIA, PAROXYSMAL, ACETAZOLAMIDE-RESPONSIVE; CEREBELLOPATHY, HEREDITARY PAROXYSMAL; EPISODIC ATAXIA, NYSTAGMUS-ASSOCIATED; ATAXIA, EPISODIC, WITH NYSTAGMUS; ATAXIA, FAMILIAL PAROXYSMAL; ACETAZOLAMIDE-RESPONSIVE HEREDITARY PAROXYSMAL CEREBELLAR ATAXIA. Identifiers: Orphanet 97, MedGen C1720416, MONDO:0007163, OMIM 108500.
Spinocerebellar ataxia type 6 (SCA6). Identifiers: Orphanet 98758, MedGen C0752124, MONDO:0008457, OMIM 183086.

Submissions (4):

Labcorp Genetics (formerly Invitae), Labcorp
Classification: Pathogenic for Developmental and epileptic encephalopathy, 42; Episodic ataxia type 2. Last evaluated: 2025-09-08. Review status: criteria provided, single submitter. Criteria: Invitae Variant Classification Sherloc (09022015). Collection method: clinical testing. Allele origin: germline.
Comment: This sequence change replaces isoleucine, which is neutral and non-polar, with valine, which is neutral and non-polar, at codon 108 of the CACNA1A protein (p.Ile108Val). This variant is not present in population databases (gnomAD no frequency). This missense change has been observed in individual(s) with clinical features of developmental and epileptic encephalopathy (PMID: 38250573; internal data). In at least one individual the variant was observed to be de novo. ClinVar contains an entry for this variant (Variation ID: 640253). Invitae Evidence Modeling of protein sequence and biophysical properties (such as structural, functional, and spatial information, amino acid conservation, physicochemical variation, residue mobility, and thermodynamic stability) indicates that this missense variant is expected to disrupt CACNA1A protein function with a positive predictive value of 95%. For these reasons, this variant has been classified as Pathogenic.

GeneDx
Classification: Uncertain significance. Last evaluated: 2025-03-06. Review status: criteria provided, single submitter. Criteria: GeneDx Variant Classification Process June 2021. Collection method: clinical testing. Allele origin: germline. Affected: yes.
Comment: Not observed at significant frequency in large population cohorts (gnomAD); In silico analysis indicates that this missense variant does not alter protein structure/function; This variant is associated with the following publications: (PMID: 38250573, 35305402)

MGZ Medical Genetics Center
Classification: Likely pathogenic for Episodic ataxia type 2. Last evaluated: 2022-07-22. Review status: criteria provided, single submitter. Criteria: ACMG Guidelines, 2015. Collection method: clinical testing. Allele origin: germline. Affected: yes. Observed: 1 variant allele.
Comment: ACMG criteria applied: PS4_MOD, PS2_SUP, PM2_SUP, PP2, PP3

Laboratory of Inherited Metabolic Diseases, Research centre for medical genetics
Classification: Likely pathogenic for Developmental and epileptic encephalopathy, 42. Last evaluated: 2020-02-14. Review status: criteria provided, single submitter. Criteria: ACMG Guidelines, 2015. Collection method: clinical testing. Allele origin: de novo. Inheritance: Autosomal dominant inheritance. Affected: yes.

Literature cited by the submitters: PubMed 38250573 (cited by Labcorp Genetics (formerly Invitae), Labcorp).